The following is an entry in ClinVar:

ClinVar aggregate classification (germline): Pathogenic (1 of 4 stars; one submission).

Conditions:
MHC class I deficiency. Identifiers: Orphanet 34592, MedGen C6024714, MONDO:0011476.

Submission:

Labcorp Genetics (formerly Invitae), Labcorp
Classification: Pathogenic for MHC class I deficiency 1. Last evaluated: 2024-02-17. Review status: criteria provided, single submitter. Criteria: Invitae Variant Classification Sherloc (09022015). Collection method: clinical testing. Allele origin: germline.
Comment: This sequence change creates a premature translational stop signal (p.Gln709*) in the TAP1 gene. It is expected to result in an absent or disrupted protein product. Loss-of-function variants in TAP1 are known to be pathogenic (PMID: 10074494, 10074495). This variant is not present in population databases (gnomAD no frequency). This variant has not been reported in the literature in individuals affected with TAP1-related conditions. For these reasons, this variant has been classified as Pathogenic.

Literature cited by the submitters: PubMed 10074494; PubMed 10074495.

NM_000593.6(TAP1):c.1945C>T (p.Gln649Ter)

Gene: TAP1 (transporter 1, ATP binding cassette subfamily B member; minus strand). Cytogenetic location: 6p21.32.
Variant type: single nucleotide variant.
Coding change: c.1945C>T on transcript NM_000593.6 (MANE Select); coding-DNA position 1945, C replaced by T.
Protein change: p.Gln649Ter; replaces glutamine 649 with a stop codon.
Molecular consequence: nonsense.
Genome position (GRCh38, 1-based): chr6:32,847,163, G>A on the plus strand (C>T on the coding strand, the complement: TAP1 is on the minus strand). VCF-style: chr6-32847163-G-A. GRCh37 (hg19) VCF-style: chr6-32814940-G-A.
Other names: c.1342C>T, p.Gln448Ter (NM_001292022.2); short protein forms Q649*, Q448*.
Identifiers: ClinVar variation 3673432 (VCV003673432.2).